The following is an entry in ClinVar:

NM_000152.5(GAA):c.2207G>A (p.Ser736Asn)

Gene: GAA (alpha glucosidase; plus strand). Cytogenetic location: 17q25.3.
Variant type: single nucleotide variant.
Coding change: c.2207G>A on transcript NM_000152.5 (MANE Select); coding-DNA position 2207, G replaced by A.
Protein change: p.Ser736Asn; replaces serine 736 with asparagine.
Molecular consequence: missense variant.
Genome position (GRCh38, 1-based): chr17:80,116,985, G>A. VCF-style: chr17-80116985-G-A. GRCh37 (hg19) VCF-style: chr17-78090784-G-A.
Other names: c.2207G>A (LRG_673t1, NM_000152.4); c.2207G>A, p.Ser736Asn (NM_001079803.3, NM_001079804.3); short protein forms S736N.
Identifiers: ClinVar variation 526517 (VCV000526517.17), dbSNP rs553430197, ClinGen allele CA8815656.

ClinVar aggregate classification (germline): Conflicting classifications of pathogenicity. Review status: criteria provided, conflicting classifications (1 of 4 stars). 4 submissions from 4 submitters: Uncertain significance (1); Likely benign (1). 2 of the submissions do not count toward it. Last evaluated 2026-01-27.

Conditions:
Cardiovascular phenotype. Identifiers: MedGen CN230736.
GAA-related disorder. Also called: GAA-related condition.
Glycogen storage disease, type II (IOPD). Also called: CARDIOMEGALIA GLYCOGENICA DIFFUSA; GLYCOGENOSIS, GENERALIZED, CARDIAC FORM; GSD II; POMPE DISEASE, INFANTILE-ONSET; GLYCOGEN STORAGE DISEASE II, INFANTILE-ONSET; ACID ALPHA-GLUCOSIDASE DEFICIENCY, INFANTILE-ONSET. Identifiers: Orphanet 365, MedGen C0017921, MONDO:0009290, OMIM 232300.

Allele frequency attached by ClinVar (database versions not stated): gnomAD below 0.00001 and 0.00007; gnomAD exomes 0.00012 and 0.00026; 1000 Genomes Project 30x 0.00016; 1000 Genomes Project 0.00020; ExAC 0.00026.
gnomAD v4.1: 180 of 1,613,754 alleles (0.011%); highest among the groups gnomAD compares: South Asian, 0.19%; 2 homozygotes.

Submissions (4):

Labcorp Genetics (formerly Invitae), Labcorp
Classification: Likely benign for Glycogen storage disease, type II. Last evaluated: 2026-01-27. Review status: criteria provided, single submitter. Criteria: Invitae Variant Classification Sherloc (09022015). Collection method: clinical testing. Allele origin: germline.

Ambry Genetics
Classification: Uncertain significance for Cardiovascular phenotype. Last evaluated: 2025-02-01. Review status: criteria provided, single submitter. Criteria: Ambry Variant Classification Scheme 2023. Collection method: clinical testing. Allele origin: germline.
Comment: The p.S736N variant (also known as c.2207G>A), located in coding exon 15 of the GAA gene, results from a G to A substitution at nucleotide position 2207. The serine at codon 736 is replaced by asparagine, an amino acid with highly similar properties. This amino acid position is conserved. In addition, this alteration is predicted to be tolerated by in silico analysis. Since supporting evidence is limited at this time, the clinical significance of this alteration remains unclear.

PreventionGenetics, part of Exact Sciences
Classification: Likely benign for GAA-related condition. Last evaluated: 2024-03-29. Review status: no assertion criteria provided. Collection method: clinical testing. Allele origin: germline. Not counted in ClinVar's aggregate classification.
Comment: This variant is classified as likely benign based on ACMG/AMP sequence variant interpretation guidelines (Richards et al. 2015 PMID: 25741868, with internal and published modifications).

Natera, Inc.
Classification: Uncertain significance for Glycogen storage disease type II. Last evaluated: 2019-10-28. Review status: no assertion criteria provided. Collection method: clinical testing. Allele origin: germline. Not counted in ClinVar's aggregate classification.